The following is an entry in ClinVar:

ClinVar aggregate classification (germline): Uncertain significance. Review status: criteria provided, multiple submitters, no conflicts (2 of 4 stars). 2 submissions from 2 submitters: Uncertain significance (2). Last evaluated 2024-01-18.

Conditions:
Hereditary cancer-predisposing syndrome. Also called: Neoplastic Syndromes, Hereditary; Tumor predisposition; Hereditary Cancer Syndrome; Hereditary neoplastic syndrome. Identifiers: Orphanet 140162, MedGen C0027672, MeSH D009386, MONDO:0015356.
Endometrial carcinoma. Also called: Endometrial carcinoma, somatic. Identifiers: MedGen C0476089, MONDO:0002447, OMIM 608089, HP:0012114.

Submissions (2):

Baylor Genetics
Classification: Uncertain significance for Endometrial carcinoma. Last evaluated: 2024-01-18. Review status: criteria provided, single submitter. Criteria: ACMG Guidelines, 2015. Collection method: clinical testing. Allele origin: unknown.

Ambry Genetics
Classification: Uncertain significance for Hereditary cancer-predisposing syndrome. Last evaluated: 2021-11-16. Review status: criteria provided, single submitter. Criteria: Ambry Variant Classification Scheme 2023. Collection method: clinical testing. Allele origin: germline.
Comment: The p.Q636H variant (also known as c.1908A>T), located in coding exon 14 of the MSH3 gene, results from an A to T substitution at nucleotide position 1908. The glutamine at codon 636 is replaced by histidine, an amino acid with highly similar properties. This amino acid position is conserved. In addition, the in silico prediction for this alteration is inconclusive. Since supporting evidence is limited at this time, the clinical significance of this alteration remains unclear.

NM_002439.5(MSH3):c.1908A>T (p.Gln636His)

Gene: MSH3 (mutS homolog 3; plus strand). Cytogenetic location: 5q14.1.
Variant type: single nucleotide variant.
Coding change: c.1908A>T on transcript NM_002439.5 (MANE Select); coding-DNA position 1908, A replaced by T.
Protein change: p.Gln636His; replaces glutamine 636 with histidine.
Molecular consequence: missense variant.
Genome position (GRCh38, 1-based): chr5:80,767,944, A>T. VCF-style: chr5-80767944-A-T. GRCh37 (hg19) VCF-style: chr5-80063763-A-T.
Other names: short protein forms Q636H.
Identifiers: ClinVar variation 1782432 (VCV001782432.3), dbSNP rs775279879, ClinGen allele CA360277451.